The following is an entry in ClinVar:

ClinVar aggregate classification (germline): Uncertain significance (1 of 4 stars; one submission).

Submission:

Ambry Genetics
Classification: Uncertain significance. Last evaluated: 2022-05-13. Review status: criteria provided, single submitter. Criteria: Ambry Variant Classification Scheme 2023. Collection method: clinical testing. Allele origin: germline.
Comment: The p.L579F variant (also known as c.1737G>C), located in coding exon 16 of the PRKDC gene, results from a G to C substitution at nucleotide position 1737. The leucine at codon 579 is replaced by phenylalanine, an amino acid with highly similar properties. This amino acid position is conserved. In addition, the in silico prediction for this alteration is inconclusive. Since supporting evidence is limited at this time, the clinical significance of this alteration remains unclear.

NM_006904.7(PRKDC):c.1737G>C (p.Leu579Phe)

Gene: PRKDC (protein kinase, DNA-activated, catalytic subunit; minus strand). Cytogenetic location: 8q11.21.
Variant type: single nucleotide variant.
Coding change: c.1737G>C on transcript NM_006904.7 (MANE Select); coding-DNA position 1737, G replaced by C.
Protein change: p.Leu579Phe; replaces leucine 579 with phenylalanine.
Molecular consequence: missense variant.
Genome position (GRCh38, 1-based): chr8:47,933,059, C>G on the plus strand (G>C on the coding strand, the complement: PRKDC is on the minus strand). VCF-style: chr8-47933059-C-G. GRCh37 (hg19) VCF-style: chr8-48845619-C-G.
Other names: c.1737G>C, p.Leu579Phe (NM_001081640.2); short protein forms L579F.
Identifiers: ClinVar variation 1779110 (VCV001779110.2), dbSNP rs2551879021, ClinGen allele CA371164971.